The following is an entry in ClinVar:

ClinVar aggregate classification (germline): Likely pathogenic (1 of 4 stars; one submission).

Submission:

Genetic Services Laboratory, University of Chicago
Classification: Likely pathogenic. Last evaluated: 2021-04-22. Review status: criteria provided, single submitter. Criteria: ACMG Guidelines, 2015. Collection method: clinical testing. Allele origin: germline. Affected: yes.
Comment: DNA sequence analysis of the MAG gene demonstrated a 9 base pair duplication involving nucleotides in intron 5 and exon 6, c.416-6_418dup. This sequence change is absent from known population databases (gnomAD). The impact of this variant on splicing is unclear, however it is possible this duplication results in an in-frame insertion of three amino acid residues. This sequence change does not appear to have been previously described in patients with MAG-related disorders and has also not been described as a known benign sequence change in the MAG gene. Taken together, this variant has been re-classified as likely pathogenic. Functional studies have not been performed to prove this conclusively.

NM_002361.4(MAG):c.416-6_418dup

Gene: MAG (myelin associated glycoprotein; plus strand). Cytogenetic location: 19q13.12.
Variant type: Duplication.
Coding change: c.416-6_418dup on transcript NM_002361.4 (MANE Select); 6 bases into the intron before coding-DNA position 416 through coding-DNA position 418, 9 bases duplicated (GTATAGACA; older notation c.416-6_418dupGTATAGACA).
Molecular consequence: splice acceptor variant.
Genome position (GRCh38, 1-based): chr19:35,299,548-35,299,556, GTATAGACA duplicated. VCF-style (leftmost placement, unchanged base first): chr19-35299547-C-CGTATAGACA. GRCh37 (hg19) VCF-style: chr19-35790450-C-CGTATAGACA.
Other names: c.416-6_418dup (NM_080600.3); c.341-6_343dup (NM_001199216.2).
Identifiers: ClinVar variation 435794 (VCV000435794.8), dbSNP rs1555763342, ClinGen allele CA645372646.